The following is an entry in ClinVar:

NM_033380.3(COL4A5):c.3275G>A (p.Gly1092Glu)

Gene: COL4A5 (collagen type IV alpha 5 chain; plus strand). Cytogenetic location: Xq22.3.
Variant type: single nucleotide variant.
Coding change: c.3275G>A on transcript NM_033380.3 (MANE Select); coding-DNA position 3275, G replaced by A.
Protein change: p.Gly1092Glu; replaces glycine 1092 with glutamic acid.
Molecular consequence: missense variant.
Genome position (GRCh38, 1-based): chrX:108,655,359, G>A. VCF-style: chrX-108655359-G-A. GRCh37 (hg19) VCF-style: chrX-107898589-G-A.
Other names: c.3275G>A, p.Gly1092Glu (NM_000495.5); short protein forms G1092E.
Identifiers: ClinVar variation 3572889 (VCV003572889.3).
Genomic context (GRCh38, chrX:108,655,359, plus strand): 5'-CTTCAGTATTATCTTTTTATTCGTGTTTTCAGGGTGAGCCTGGTCTGCCTGGATACCCAG[G>A]GAACCCTGGTATCAAAGGTTCTGTGGGAGATCCTGGTTTGCCCGGATTACCAGGAACCCC-3'
Protein context (NP_203699.1, residues 1082-1102): KGEPGLPGYP[Gly1092Glu]NPGIKGSVGD

ClinVar aggregate classification (germline): Likely pathogenic (1 of 4 stars; one submission).

Conditions:
X-linked Alport syndrome (ATS1). Also called: COL4A5-Related Nephropathy; NEPHROPATHY AND DEAFNESS, X-LINKED. Identifiers: Orphanet 63, Orphanet 88917, MedGen C4746986, MONDO:0010520, OMIM 301050.

Submission:

Institute of Human Genetics, University of Leipzig Medical Center
Classification: Likely pathogenic for X-linked Alport syndrome. Last evaluated: 2025-04-25. Review status: criteria provided, single submitter. Criteria: ACMG Guidelines, 2015. Collection method: clinical testing. Allele origin: unknown. Inheritance: X-linked dominant inheritance. Affected: yes.
Comment: Criteria applied: PM1_STR,PS4_MOD,PP3_SUP,PM2_SUP